The following is an entry in ClinVar:

ClinVar aggregate classification (germline): Uncertain significance (1 of 4 stars; one submission).

Conditions:
Nephronophthisis 18 (NPHP18). Identifiers: Orphanet 655, MedGen C3890591, MONDO:0014374, OMIM 615862.

Allele frequency attached by ClinVar (database versions not stated): gnomAD exomes below 0.00001; gnomAD 0.00001.
gnomAD v4.1: 4 of 1,590,820 alleles (0.00025%); highest among the groups gnomAD compares: Non-Finnish European, 0.00034%; no homozygotes.

Submission:

Labcorp Genetics (formerly Invitae), Labcorp
Classification: Uncertain significance for Nephronophthisis 18. Last evaluated: 2022-07-05. Review status: criteria provided, single submitter. Criteria: Invitae Variant Classification Sherloc (09022015). Collection method: clinical testing. Allele origin: germline.
Comment: ClinVar contains an entry for this variant (Variation ID: 1410631). This variant has not been reported in the literature in individuals affected with CEP83-related conditions. This variant is present in population databases (no rsID available, gnomAD 0.002%). This sequence change replaces lysine with arginine at codon 343 of the CEP83 protein (p.Lys343Arg). The lysine residue is highly conserved and there is a small physicochemical difference between lysine and arginine. Algorithms developed to predict the effect of missense changes on protein structure and function output the following: SIFT: "Not Available"; PolyPhen-2: "Benign"; Align-GVGD: "Not Available". The arginine amino acid residue is found in multiple mammalian species, which suggests that this missense change does not adversely affect protein function. In summary, the available evidence is currently insufficient to determine the role of this variant in disease. Therefore, it has been classified as a Variant of Uncertain Significance.

NM_016122.3(CEP83):c.1028A>G (p.Lys343Arg)

Gene: CEP83 (centrosomal protein 83; minus strand). Cytogenetic location: 12q22.
Variant type: single nucleotide variant.
Coding change: c.1028A>G on transcript NM_016122.3 (MANE Select); coding-DNA position 1028, A replaced by G.
Protein change: p.Lys343Arg; replaces lysine 343 with arginine.
Molecular consequence: missense variant. On other transcripts: non-coding transcript variant (2).
Genome position (GRCh38, 1-based): chr12:94,369,942, T>C on the plus strand (A>G on the coding strand, the complement: CEP83 is on the minus strand). VCF-style: chr12-94369942-T-C. GRCh37 (hg19) VCF-style: chr12-94763718-T-C.
Other names: c.1028A>G, p.Lys343Arg (NM_001042399.2, NM_001346457.2, NM_001346460.2 and 3 more transcripts); c.716A>G, p.Lys239Arg (NM_001346458.2, NM_001346459.2, NM_001346462.2 and 2 more transcripts); c.803A>G, p.Lys268Arg (NM_001368041.1); c.491A>G, p.Lys164Arg (NM_001368042.1); short protein forms K343R, K164R, K268R, K239R.
Identifiers: ClinVar variation 1410631 (VCV001410631.6), dbSNP rs1207972213, ClinGen allele CA386146052.